The following is an entry in ClinVar:

NM_201384.3(PLEC):c.4780C>T (p.Arg1594Cys)

Gene: PLEC (plectin; minus strand). Cytogenetic location: 8q24.3.
Variant type: single nucleotide variant.
Coding change: c.4780C>T on transcript NM_201384.3 (MANE Select); coding-DNA position 4780, C replaced by T.
Protein change: p.Arg1594Cys; replaces arginine 1594 with cysteine.
Molecular consequence: missense variant. On other transcripts: intron variant (1).
Genome position (GRCh38, 1-based): chr8:143,925,149, G>A on the plus strand (C>T on the coding strand, the complement: PLEC is on the minus strand). VCF-style: chr8-143925149-G-A. GRCh37 (hg19) VCF-style: chr8-144999317-G-A.
Other names: c.4861C>T, p.Arg1621Cys (NM_000445.5); c.4738C>T, p.Arg1580Cys (NM_201378.4); c.4714C>T, p.Arg1572Cys (NM_201379.3); c.5191C>T, p.Arg1731Cys (NM_201380.4); c.4684C>T, p.Arg1562Cys (NM_201381.3); c.4780C>T, p.Arg1594Cys (NM_201382.4); c.4792C>T, p.Arg1598Cys (NM_201383.3); c.4125+1635C>T (NM_001410941.1); short protein forms R1594C, R1621C, R1562C, R1598C, R1572C, R1580C, R1731C.
Identifiers: ClinVar variation 4787949 (VCV004787949.2).

ClinVar aggregate classification (germline): Uncertain significance. Review status: criteria provided, multiple submitters, no conflicts (2 of 4 stars). 2 submissions from 2 submitters: Uncertain significance (2). Last evaluated 2025-07-23.

Conditions:
Autosomal recessive limb-girdle muscular dystrophy type 2Q (LGMDR17). Also called: MUSCULAR DYSTROPHY, LIMB-GIRDLE, AUTOSOMAL RECESSIVE 17. Identifiers: Orphanet 254361, MedGen C3150989, MONDO:0013390, OMIM 613723.
Epidermolysis bullosa simplex 5B, with muscular dystrophy (EBS5B). Also called: EPIDERMOLYSIS BULLOSA SIMPLEX AND LIMB-GIRDLE MUSCULAR DYSTROPHY; Epidermolysis bullosa simplex with muscular dystrophy. Identifiers: Orphanet 257, MedGen C2931072, MONDO:0009181, OMIM 226670.
Epidermolysis bullosa simplex 5C, with pyloric atresia (EBS5C). Also called: PLEC-Related Epidermolysis Bullosa with Pyloric Atresia; Epidermolysis bullosa simplex with pyloric atresia; PLEC1-Related Epidermolysis Bullosa with Pyloric Atresia. Identifiers: Orphanet 158684, MedGen C2677349, MONDO:0012807, OMIM 612138.
Epidermolysis bullosa simplex, Ogna type (EBS5A). Also called: EPIDERMOLYSIS BULLOSA SIMPLEX 5A, OGNA TYPE; Pidermolysis bullosa simplex 5A, Ogna type. Identifiers: Orphanet 79401, MedGen C0432317, MONDO:0007555, OMIM 131950.
Epidermolysis bullosa simplex with nail dystrophy (EBS5D). Identifiers: MedGen C4225309, MONDO:0014661, OMIM 616487.

gnomAD v4.1: 6 of 1,558,322 alleles (0.00039%); highest among the groups gnomAD compares: Middle Eastern, 0.017%; no homozygotes.

Submissions (2):

Labcorp Genetics (formerly Invitae), Labcorp
Classification: Uncertain significance for Autosomal recessive limb-girdle muscular dystrophy type 2Q; Epidermolysis bullosa simplex, Ogna type; Epidermolysis bullosa simplex with nail dystrophy; Epidermolysis bullosa simplex 5C, with pyloric atresia; Epidermolysis bullosa simplex 5B, with muscular dystrophy. Last evaluated: 2025-07-23. Review status: criteria provided, single submitter. Criteria: Invitae Variant Classification Sherloc (09022015). Collection method: clinical testing. Allele origin: germline.
Comment: This sequence change replaces arginine, which is basic and polar, with cysteine, which is neutral and slightly polar, at codon 1621 of the PLEC protein (p.Arg1621Cys). The frequency data for this variant in the population databases is considered unreliable, as metrics indicate poor data quality at this position in the gnomAD database. This variant has not been reported in the literature in individuals affected with PLEC-related conditions. Experimental studies and prediction algorithms are not available or were not evaluated, and the functional significance of this variant is currently unknown. In summary, the available evidence is currently insufficient to determine the role of this variant in disease. Therefore, it has been classified as a Variant of Uncertain Significance.

Blueprint Genetics
Classification: Uncertain significance. Last evaluated: 2018-03-19. Review status: criteria provided, single submitter. Criteria: ACMG Guidelines, 2015. Collection method: clinical testing. Allele origin: germline.